The following is an entry in ClinVar:

NM_052963.3(TOP1MT):c.842A>G (p.Glu281Gly)

Gene: TOP1MT (DNA topoisomerase I mitochondrial; minus strand). Cytogenetic location: 8q24.3.
Variant type: single nucleotide variant.
Coding change: c.842A>G on transcript NM_052963.3 (MANE Select); coding-DNA position 842, A replaced by G.
Protein change: p.Glu281Gly; replaces glutamic acid 281 with glycine.
Molecular consequence: missense variant.
Genome position (GRCh38, 1-based): chr8:143,324,117, T>C on the plus strand (A>G on the coding strand, the complement: TOP1MT is on the minus strand). VCF-style: chr8-143324117-T-C. GRCh37 (hg19) VCF-style: chr8-144406287-T-C.
Other names: c.548A>G, p.Glu183Gly (NM_001258447.1, NM_001258446.1); short protein forms E281G, E183G.
Identifiers: ClinVar variation 2995591 (VCV002995591.3), dbSNP rs2537428532, ClinGen allele CA372414940.

ClinVar aggregate classification (germline): Uncertain significance (1 of 4 stars; one submission).

Allele frequency attached by ClinVar (database versions not stated): gnomAD exomes below 0.00001.
gnomAD v4.1: 2 of 1,613,792 alleles (0.00012%); highest among the groups gnomAD compares: Middle Eastern, 0.033%; no homozygotes.

Submission:

Labcorp Genetics (formerly Invitae), Labcorp
Classification: Uncertain significance. Last evaluated: 2023-05-18. Review status: criteria provided, single submitter. Criteria: Invitae Variant Classification Sherloc (09022015). Collection method: clinical testing. Allele origin: germline.
Comment: In summary, the available evidence is currently insufficient to determine the role of this variant in disease. Therefore, it has been classified as a Variant of Uncertain Significance. Advanced modeling of protein sequence and biophysical properties (such as structural, functional, and spatial information, amino acid conservation, physicochemical variation, residue mobility, and thermodynamic stability) performed at Invitae indicates that this missense variant is expected to disrupt TOP1MT protein function. This variant has not been reported in the literature in individuals affected with TOP1MT-related conditions. This variant is not present in population databases (gnomAD no frequency). This sequence change replaces glutamic acid, which is acidic and polar, with glycine, which is neutral and non-polar, at codon 281 of the TOP1MT protein (p.Glu281Gly).